The following is an entry in ClinVar:

ClinVar aggregate classification (germline): Benign/Likely benign. Review status: criteria provided, multiple submitters, no conflicts (2 of 4 stars). 4 submissions from 4 submitters: Benign (3); Likely benign (1). Last evaluated 2025-12-21.

Conditions:
Moyamoya disease 2 (MYMY2). Also called: MOYAMOYA DISEASE 2, SUSCEPTIBILITY TO. Identifiers: Orphanet 2573, MedGen C1846689, MONDO:0011784, OMIM 607151.

Allele frequency attached by ClinVar (database versions not stated): gnomAD exomes 0.00066 and 0.00167; ExAC 0.00243; ESP Exome Variant Server 0.00554; gnomAD 0.00688 and 0.00739; 1000 Genomes Project 0.00739; TOPMed 0.00762; 1000 Genomes Project 30x 0.00843.
gnomAD v4.1: 2,065 of 1,611,970 alleles (0.13%); highest among the groups gnomAD compares: African/African-American, 2.3%; 29 homozygotes.

Submissions (4):

Labcorp Genetics (formerly Invitae), Labcorp
Classification: Benign. Last evaluated: 2025-12-21. Review status: criteria provided, single submitter. Criteria: Invitae Variant Classification Sherloc (09022015). Collection method: clinical testing. Allele origin: germline.

Mayo Clinic Laboratories, Mayo Clinic
Classification: Benign. Last evaluated: 2025-02-14. Review status: criteria provided, single submitter. Criteria: ACMG Guidelines, 2015. Collection method: clinical testing. Allele origin: germline. Observed: 1 variant allele.
Comment: BS1, BS2, BP4, BP7

Fulgent Genetics
Classification: Likely benign for Moyamoya disease 2. Last evaluated: 2021-11-08. Review status: criteria provided, single submitter. Criteria: ACMG Guidelines, 2015. Collection method: clinical testing. Allele origin: unknown.

Breakthrough Genomics
Classification: Benign. Review status: criteria provided, single submitter. Criteria: ACMG Guidelines, 2015. Collection method: not provided. Allele origin: germline. Inheritance: Autosomal dominant inheritance. Affected: yes.

NM_001256071.3(RNF213):c.10443G>A (p.Ala3481=)

Genes: RNF213-AS1 (RNF213 antisense RNA 1; minus strand), RNF213 (ring finger protein 213; plus strand). Cytogenetic location: 17q25.3.
Variant type: single nucleotide variant.
Coding change: c.10443G>A on transcript NM_001256071.3 (MANE Select); coding-DNA position 10443, G replaced by A.
Protein change: p.Ala3481=; no amino-acid change (alanine 3481 retained).
Molecular consequence: synonymous variant. On other transcripts: non-coding transcript variant (1).
Genome position (GRCh38, 1-based): chr17:80,353,531, G>A. VCF-style: chr17-80353531-G-A. GRCh37 (hg19) VCF-style: chr17-78327331-G-A.
Other names: p.Ala3481=.
Identifiers: ClinVar variation 777225 (VCV000777225.13), dbSNP rs116677277, ClinGen allele CA8821452.